The following is an entry in ClinVar:

NM_000038.6(APC):c.2166T>C (p.Ser722=)

Gene: APC (APC regulator of WNT signaling pathway; plus strand). Cytogenetic location: 5q22.2.
Variant type: single nucleotide variant.
Coding change: c.2166T>C on transcript NM_000038.6 (MANE Select); coding-DNA position 2166, T replaced by C.
Protein change: p.Ser722=; no amino-acid change (serine 722 retained).
Molecular consequence: synonymous variant. On other transcripts: non-coding transcript variant (2).
Genome position (GRCh38, 1-based): chr5:112,837,760, T>C. VCF-style: chr5-112837760-T-C. GRCh37 (hg19) VCF-style: chr5-112173457-T-C.
Other names: c.2166T>C, p.Ser722= (NM_001127510.3, NM_001354895.2, NM_001407450.1); c.2112T>C, p.Ser704= (NM_001127511.3); c.2220T>C, p.Ser740= (NM_001354896.2, NM_001407447.1, NM_001407448.1 and 1 more transcripts); c.2196T>C, p.Ser732= (NM_001354897.2); c.2091T>C, p.Ser697= (NM_001354898.2); c.2082T>C, p.Ser694= (NM_001354899.2); c.2043T>C, p.Ser681= (NM_001354900.2); c.1989T>C, p.Ser663= (NM_001354901.2, NM_001407453.1); and 11 more.
Identifiers: ClinVar variation 3386256 (VCV003386256.1).

ClinVar aggregate classification (germline): Likely benign (1 of 4 stars; one submission).

Conditions:
Classic or attenuated familial adenomatous polyposis. Identifiers: MedGen CN372698, MONDO:0021057.

Submission:

All of Us Research Program, National Institutes of Health
Classification: Likely benign for Classic or attenuated familial adenomatous polyposis. Last evaluated: 2024-02-22. Review status: criteria provided, single submitter. Criteria: ACMG Guidelines, 2015. Collection method: clinical testing. Allele origin: germline. Inheritance: Autosomal dominant inheritance. Observed: 1 variant allele, 1 heterozygote.
Comment: This study involves interpretation of variants in research participants for the purpose of population health screening. Participant phenotype was not available at the time of variant classification. Additional details can be found in publication PMID: 35346344, PMCID: PMC8962531